The following is an entry in ClinVar:

NM_003631.5(PARG):c.2655A>G (p.Ile885Met)

Gene: PARG (poly(ADP-ribose) glycohydrolase; minus strand). Cytogenetic location: 10q11.23.
Variant type: single nucleotide variant.
Coding change: c.2655A>G on transcript NM_003631.5 (MANE Select); coding-DNA position 2655, A replaced by G.
Protein change: p.Ile885Met; replaces isoleucine 885 with methionine.
Molecular consequence: missense variant. On other transcripts: non-coding transcript variant (7).
Genome position (GRCh38, 1-based): chr10:49,820,286, T>C on the plus strand (A>G on the coding strand, the complement: PARG is on the minus strand). VCF-style: chr10-49820286-T-C. GRCh37 (hg19) VCF-style: chr10-51028332-T-C.
Other names: c.2409A>G, p.Ile803Met (NM_001303486.3, NM_001324381.3); c.2331A>G, p.Ile777Met (NM_001303487.3); c.1413A>G, p.Ile471Met (NM_001303489.3); short protein forms I471M, I777M, I885M, I803M.
Identifiers: ClinVar variation 4564565 (VCV004564565.1).
Genomic context (GRCh38, chr10:49,820,286, plus strand): 5'-TGAGTCCCCAAAGGTGAAATAAACCACATCTCGCTCAGCTGCAGCAGCTGCCAATATCTG[T>C]ATTAAGGCTGAGGCAAAGAGAAAAGACACGGCTATATCATGACATTTTCCACCTAGATAC-3'
Protein context (NP_003622.2, residues 875-895): FGGDARLKAL[Ile885Met]QILAAAAAER

ClinVar aggregate classification (germline): Uncertain significance (1 of 4 stars; one submission).

gnomAD v4.1: 4 of 1,548,290 alleles (0.00026%); no homozygotes.

Submission:

Ambry Genetics
Classification: Uncertain significance. Last evaluated: 2025-11-25. Review status: criteria provided, single submitter. Criteria: Ambry Variant Classification Scheme 2023. Collection method: clinical testing. Allele origin: germline.
Comment: The c.2655A>G (p.I885M) alteration is located in exon (coding exon ) of the PARG gene. This alteration results from a A to G substitution at nucleotide position 2655, causing the isoleucine (I) at amino acid position 885 to be replaced by a methionine (M). Based on insufficient or conflicting evidence, the clinical significance of this alteration remains unclear.